The following is an entry in ClinVar:

ClinVar aggregate classification (germline): Uncertain significance (1 of 4 stars; one submission).

Conditions:
Cardiovascular phenotype. Identifiers: MedGen CN230736.

Submission:

Ambry Genetics
Classification: Uncertain significance for Cardiovascular phenotype. Last evaluated: 2024-06-04. Review status: criteria provided, single submitter. Criteria: Ambry Variant Classification Scheme 2023. Collection method: clinical testing. Allele origin: germline.
Comment: The p.V102L variant (also known as c.304G>C), located in coding exon 4 of the TRPM4 gene, results from a G to C substitution at nucleotide position 304. The valine at codon 102 is replaced by leucine, an amino acid with highly similar properties. This amino acid position is conserved. In addition, this alteration is predicted to be tolerated by in silico analysis. Based on the available evidence, the clinical significance of this variant remains unclear.

NM_017636.4(TRPM4):c.304G>C (p.Val102Leu)

Gene: TRPM4 (transient receptor potential cation channel subfamily M member 4; plus strand). Cytogenetic location: 19q13.33.
Variant type: single nucleotide variant.
Coding change: c.304G>C on transcript NM_017636.4 (MANE Select); coding-DNA position 304, G replaced by C.
Protein change: p.Val102Leu; replaces valine 102 with leucine.
Molecular consequence: missense variant. On other transcripts: intron variant (4).
Genome position (GRCh38, 1-based): chr19:49,167,953, G>C. VCF-style: chr19-49167953-G-C. GRCh37 (hg19) VCF-style: chr19-49671210-G-C.
Other names: c.304G>C, p.Val102Leu (NM_001195227.2); c.-1105-307G>C (NM_001321282.2); c.268-600G>C (NM_001321281.2); c.-74-307G>C (NM_001321283.2); c.-237-600G>C (NM_001321285.2); short protein forms V102L.
Identifiers: ClinVar variation 3329253 (VCV003329253.1).